The following is an entry in ClinVar:

NM_006270.5(RRAS):c.463T>C (p.Ser155Pro)

Gene: RRAS (RAS related; minus strand). Cytogenetic location: 19q13.33.
Variant type: single nucleotide variant.
Coding change: c.463T>C on transcript NM_006270.5 (MANE Select); coding-DNA position 463, T replaced by C.
Protein change: p.Ser155Pro; replaces serine 155 with proline.
Molecular consequence: missense variant.
Genome position (GRCh38, 1-based): chr19:49,635,843, A>G on the plus strand (T>C on the coding strand, the complement: RRAS is on the minus strand). VCF-style: chr19-49635843-A-G. GRCh37 (hg19) VCF-style: chr19-50139100-A-G.
Other names: short protein forms S155P.
Identifiers: ClinVar variation 1742099 (VCV001742099.2), dbSNP rs2513705539, ClinGen allele CA406845938.

ClinVar aggregate classification (germline): Uncertain significance (1 of 4 stars; one submission).

Submission:

Ambry Genetics
Classification: Uncertain significance. Last evaluated: 2022-10-27. Review status: criteria provided, single submitter. Criteria: Ambry Variant Classification Scheme 2023. Collection method: clinical testing. Allele origin: germline.
Comment: The p.S155P variant (also known as c.463T>C), located in coding exon 5 of the RRAS gene, results from a T to C substitution at nucleotide position 463. The serine at codon 155 is replaced by proline, an amino acid with similar properties. This amino acid position is conserved. In addition, the in silico prediction for this alteration is inconclusive. Since supporting evidence is limited at this time, the clinical significance of this alteration remains unclear.